The following is an entry in ClinVar:

ClinVar aggregate classification (germline): Uncertain significance (1 of 4 stars; one submission).

Conditions:
Bardet-Biedl syndrome (BBS). Identifiers: Orphanet 110, MedGen C0752166, MONDO:0015229.

Submission:

Labcorp Genetics (formerly Invitae), Labcorp
Classification: Uncertain significance for Bardet-Biedl syndrome. Last evaluated: 2022-10-05. Review status: criteria provided, single submitter. Criteria: Invitae Variant Classification Sherloc (09022015). Collection method: clinical testing. Allele origin: germline.
Comment: In summary, the available evidence is currently insufficient to determine the role of this variant in disease. Therefore, it has been classified as a Variant of Uncertain Significance. Experimental studies and prediction algorithms are not available or were not evaluated, and the functional significance of this variant is currently unknown. This variant has not been reported in the literature in individuals affected with TTC8-related conditions. This variant is a gross deletion of the genomic region encompassing exon(s) 10 of the TTC8 gene. This variant would be expected to be in-frame, preserving the integrity of the reading frame.

NC_000014.8:g.(?_89327546)_(89327696_?)del

Gene: TTC8 (tetratricopeptide repeat domain 8; plus strand). Cytogenetic location: 14q31.3.
Variant type: Deletion.
Identifiers: ClinVar variation 1514788 (VCV001514788.7).